The following is an entry in ClinVar:

ClinVar aggregate classification (germline): Uncertain significance. Review status: criteria provided, multiple submitters, no conflicts (2 of 4 stars). 2 submissions from 2 submitters: Uncertain significance (2). Last evaluated 2026-01-27.

Conditions:
Congenital myasthenic syndrome 8. Also called: MYASTHENIC SYNDROME, CONGENITAL, DUE TO AGRIN DEFICIENCY; Myasthenic syndrome, congenital, 8, with pre- and postsynaptic defects. Identifiers: Orphanet 590, MedGen C3808739, MONDO:0014052, OMIM 615120.

Allele frequency attached by ClinVar (database versions not stated): ExAC 0.00013; gnomAD exomes 0.00022; ESP Exome Variant Server 0.00023; TOPMed 0.00034; gnomAD 0.00035.
gnomAD v4.1: 808 of 1,612,576 alleles (0.05%); highest among the groups gnomAD compares: Non-Finnish European, 0.066%; no homozygotes.

Submissions (2):

Labcorp Genetics (formerly Invitae), Labcorp
Classification: Uncertain significance for Congenital myasthenic syndrome 8. Last evaluated: 2026-01-27. Review status: criteria provided, single submitter. Criteria: Invitae Variant Classification Sherloc (09022015). Collection method: clinical testing. Allele origin: germline.
Comment: This sequence change replaces proline, which is neutral and non-polar, with serine, which is neutral and polar, at codon 846 of the AGRN protein (p.Pro846Ser). This variant is present in population databases (rs138248828, gnomAD 0.05%). This variant has not been reported in the literature in individuals affected with AGRN-related conditions. ClinVar contains an entry for this variant (Variation ID: 572779). An algorithm developed to predict the effect of missense changes on protein structure and function (PolyPhen-2) suggests that this variant is likely to be disruptive. In summary, the available evidence is currently insufficient to determine the role of this variant in disease. Therefore, it has been classified as a Variant of Uncertain Significance.

GeneDx
Classification: Uncertain significance. Last evaluated: 2019-07-24. Review status: criteria provided, single submitter. Criteria: GeneDx Variant Classification Process June 2021. Collection method: clinical testing. Allele origin: germline. Affected: yes.
Comment: In silico analysis, which includes protein predictors and evolutionary conservation, supports a deleterious effect; Has not been previously published as pathogenic or benign to our knowledge

NM_198576.4(AGRN):c.2536C>T (p.Pro846Ser)

Gene: AGRN (agrin; plus strand). Cytogenetic location: 1p36.33.
Variant type: single nucleotide variant.
Coding change: c.2536C>T on transcript NM_198576.4 (MANE Select); coding-DNA position 2536, C replaced by T.
Protein change: p.Pro846Ser; replaces proline 846 with serine.
Molecular consequence: missense variant.
Genome position (GRCh38, 1-based): chr1:1,045,523, C>T. VCF-style: chr1-1045523-C-T. GRCh37 (hg19) VCF-style: chr1-980903-C-T.
Other names: c.2536C>T, p.Pro846Ser (NM_001305275.2); c.2221C>T, p.Pro741Ser (NM_001364727.2); short protein forms P846S, P741S.
Identifiers: ClinVar variation 572779 (VCV000572779.9), dbSNP rs138248828, ClinGen allele CA508659.